The following is an entry in ClinVar:

NM_001271.4(CHD2):c.1199-8T>A

Gene: CHD2 (chromodomain helicase DNA binding protein 2; plus strand). Cytogenetic location: 15q26.1.
Variant type: single nucleotide variant.
Coding change: c.1199-8T>A on transcript NM_001271.4 (MANE Select); 8 bases into the intron before coding-DNA position 1199, T replaced by A.
Molecular consequence: intron variant.
Genome position (GRCh38, 1-based): chr15:92,946,030, T>A. VCF-style: chr15-92946030-T-A. GRCh37 (hg19) VCF-style: chr15-93489260-T-A.
Other names: c.1199-8T>A (NM_001042572.3).
Identifiers: ClinVar variation 2506649 (VCV002506649.1), dbSNP rs2141795407, ClinGen allele CA2575845550.
Genomic context (GRCh38, chr15:92,946,030, plus strand): 5'-AAACAGAATGTCATTTTTCACTTTTAATTGACAGTTGCTAATCTATAAATTTTTTTTATA[T>A]GAAATAGCTCATAGTCGGAAGCCGGCACCCTCAAATGAGCCCGAATATCTATGTAAATGG-3'

ClinVar aggregate classification (germline): Uncertain significance (1 of 4 stars; one submission).

Submission:

GeneDx
Classification: Uncertain significance. Last evaluated: 2022-12-20. Review status: criteria provided, single submitter. Criteria: GeneDx Variant Classification Process June 2021. Collection method: clinical testing. Allele origin: germline. Affected: yes.
Comment: Not observed at significant frequency in large population cohorts (gnomAD); In silico analysis supports a deleterious effect on splicing; Has not been previously published as pathogenic or benign to our knowledge